The following is an entry in ClinVar:

ClinVar aggregate classification (germline): Conflicting classifications of pathogenicity. Review status: criteria provided, conflicting classifications (1 of 4 stars). 10 submissions from 10 submitters: Uncertain significance (2); Likely benign (6). 2 of the submissions do not count toward it. Last evaluated 2026-05-27.

Conditions:
BRCA2-related disorder. Also called: BRCA2-related condition; BRCA2-related disorders. Identifiers: MedGen CN239275.
Hereditary cancer-predisposing syndrome. Also called: Hereditary Cancer Syndrome; Tumor predisposition; Neoplastic Syndromes, Hereditary; Hereditary neoplastic syndrome. Identifiers: Orphanet 140162, MedGen C0027672, MeSH D009386, MONDO:0015356.
Hereditary breast ovarian cancer syndrome. Also called: Hereditary breast and ovarian cancer syndrome; Hereditary breast and/or ovarian cancer syndrome; Hereditary breast and ovarian cancer; Hereditary breast and ovarian cancer syndrome (HBOC); Breast and ovarian cancer; BRCA1- and BRCA2-Associated Hereditary Breast and Ovarian Cancer. Identifiers: Orphanet 145, MedGen C0677776, MeSH D061325, MONDO:0003582. Disease mechanism: loss of function.
Breast-ovarian cancer, familial, susceptibility to, 2 (BROVCA2). Also called: BRCA2 Hereditary Breast and Ovarian Cancer. Identifiers: Orphanet 145, MedGen C2675520, MONDO:0012933, OMIM 612555. Disease mechanism: loss of function.

Allele frequency attached by ClinVar (database versions not stated): gnomAD exomes below 0.00001 and 0.00001; gnomAD 0.00008 and 0.00009; TOPMed 0.00012.
gnomAD v4.1: 16 of 1,590,172 alleles (0.001%); highest among the groups gnomAD compares: Admixed American, 0.026%; no homozygotes.

Submissions (10):

PreventionGenetics, part of Exact Sciences
Classification: Likely benign for BRCA2-related condition. Last evaluated: 2026-05-27. Review status: criteria provided, single submitter. Criteria: ACMG Guidelines, 2015. Collection method: clinical testing. Allele origin: germline.
Comment: This variant is classified as likely benign based on ACMG/AMP sequence variant interpretation guidelines (Richards et al. 2015 PMID: 25741868, with internal and published modifications).

Labcorp Genetics (formerly Invitae), Labcorp
Classification: Likely benign for Hereditary breast ovarian cancer syndrome. Last evaluated: 2026-01-13. Review status: criteria provided, single submitter. Criteria: Invitae Variant Classification Sherloc (09022015). Collection method: clinical testing. Allele origin: germline.

Quest Diagnostics Nichols Institute San Juan Capistrano
Classification: Uncertain significance. Last evaluated: 2025-10-14. Review status: criteria provided, single submitter. Criteria: Quest Diagnostics criteria. Collection method: clinical testing. Allele origin: unknown.
Comment: The BRCA2 c.6475C>G (p.Gln2159Glu) variant has been reported in the published literature in individuals with breast cancer (PMID: 30400234 (2018)), ovarian cancer (PMID: 28888541 (2017)), and rhabdomyosarcoma (PMID: 24793135 (2014)). It has also been described to be located in a region of the BRCA2 gene that is tolerant to missense sequence changes (PMID: 31911673 (2020)). The frequency of this variant in the general population (Genome Aggregation Database) is uninformative in the assessment of its pathogenicity. Analysis of this variant using bioinformatics tools for the prediction of the effect of amino acid changes on protein structure and function yielded predictions that this variant is benign. Based on the available information, we are unable to determine the clinical significance of this variant.

Women's Health and Genetics/Laboratory Corporation of America, LabCorp
Classification: Likely benign. Last evaluated: 2025-07-24. Review status: criteria provided, single submitter. Criteria: LabCorp Variant Classification Summary - May 2015. Collection method: clinical testing. Allele origin: germline.
Comment: Variant summary: BRCA2 c.6475C>G (p.Gln2159Glu) results in a conservative amino acid change in the encoded protein sequence. Algorithms developed to predict the effect of missense changes on protein structure and function all suggest that this variant is likely to be tolerated. The variant allele was found at a frequency of 4.3e-06 in 230162 control chromosomes, predominantly at a frequency of 3.4e-05 within the Latino subpopulation in the gnomAD database V2. It was found as 16 heterozygotes in the gnomAD v4 database. The available data on variant occurrences in the general population are insufficient to allow any conclusion about variant significance. c.6475C>G has been reported in the literature in two Puerto Rican breast cancer patients (Diaz-Zabala_2018). These report(s) do not provide unequivocal conclusions about association of the variant with Hereditary Breast And Ovarian Cancer Syndrome. To our knowledge, no experimental evidence demonstrating an impact on protein function has been reported. The following publication has been ascertained in the context of this evaluation (PMID: 30400234). ClinVar contains an entry for this variant (Variation ID: 91450). Based on the evidence outlined above, the variant was classified as likely benign.

Ambry Genetics
Classification: Likely benign for Hereditary cancer-predisposing syndrome. Last evaluated: 2023-04-25. Review status: criteria provided, single submitter. Criteria: Ambry Variant Classification Scheme 2023. Collection method: clinical testing. Allele origin: germline.

University of Washington Department of Laboratory Medicine, University of Washington
Classification: Likely benign for Hereditary cancer-predisposing syndrome. Last evaluated: 2023-03-23. Review status: criteria provided, single submitter. Criteria: Dines et al. (Genet Med. 2020). Collection method: curation. Allele origin: germline.
Comment: Missense variant in a coldspot region where missense variants are very unlikely to be pathogenic (PMID:31911673).

BRCA2 exon 11 coldspot. Reclassification based on statistical prior probability.

GeneDx
Classification: Uncertain significance. Last evaluated: 2023-02-28. Review status: criteria provided, single submitter. Criteria: GeneDx Variant Classification Process June 2021. Collection method: clinical testing. Allele origin: germline. Affected: yes.
Comment: Observed in individuals with a personal or family history including breast cancer (Diaz-Zabala et al., 2018); In silico analysis supports that this missense variant does not alter protein structure/function; Not observed at significant frequency in large population cohorts (gnomAD); Also known as 6703C>G; This variant is associated with the following publications: (PMID: 24793135, 30400234)

Color Diagnostics, LLC DBA Color Health
Classification: Likely benign for Hereditary cancer-predisposing syndrome. Last evaluated: 2017-05-11. Review status: criteria provided, single submitter. Criteria: ACMG Guidelines, 2015. Collection method: clinical testing. Allele origin: germline.

Counsyl
Classification: Uncertain significance for Breast-ovarian cancer, familial, susceptibility to, 2. Last evaluated: 2016-02-12. Review status: no assertion criteria provided. Collection method: clinical testing. Allele origin: unknown. Not counted in ClinVar's aggregate classification.

Sharing Clinical Reports Project (SCRP)
Classification: Benign for Breast-ovarian cancer, familial 2. Last evaluated: 2013-09-24. Review status: no assertion criteria provided. Collection method: clinical testing. Allele origin: germline. Not counted in ClinVar's aggregate classification.

Literature cited by the submitters: PubMed 31853058 (cited by Quest Diagnostics Nichols Institute San Juan Capistrano); PubMed 30400234 (cited by 3 submitters); PubMed 36922933 (cited by Quest Diagnostics Nichols Institute San Juan Capistrano); PubMed 37461096 (cited by Quest Diagnostics Nichols Institute San Juan Capistrano); PubMed 24793135 (cited by Quest Diagnostics Nichols Institute San Juan Capistrano); PubMed 31911673 (cited by Quest Diagnostics Nichols Institute San Juan Capistrano); PubMed 28888541 (cited by Quest Diagnostics Nichols Institute San Juan Capistrano).

NM_000059.4(BRCA2):c.6475C>G (p.Gln2159Glu)

Gene: BRCA2 (BRCA2 DNA repair associated; plus strand). Cytogenetic location: 13q13.1.
Variant type: single nucleotide variant.
Coding change: c.6475C>G on transcript NM_000059.4 (MANE Select); coding-DNA position 6475, C replaced by G.
Protein change: p.Gln2159Glu; replaces glutamine 2159 with glutamic acid.
Molecular consequence: missense variant.
Genome position (GRCh38, 1-based): chr13:32,340,830, C>G. VCF-style: chr13-32340830-C-G. GRCh37 (hg19) VCF-style: chr13-32914967-C-G.
Other names: p.Q2159E:CAA>GAA; 6703C>G; short protein forms Q2159E.
Identifiers: ClinVar variation 91450 (VCV000091450.40), dbSNP rs398122558, ClinGen allele CA024092.
Genomic context (GRCh38, chr13:32,340,830, plus strand): 5'-GAAGGTGGTTCTTCAGAAAATAATCACTCTATTAAAGTTTCTCCATATCTCTCTCAATTT[C>G]AACAAGACAAACAACAGTTGGTATTAGGAACCAAAGTGTCACTTGTTGAGAACATTCATG-3'
Protein context (NP_000050.3, residues 2149-2169): IKVSPYLSQF[Gln2159Glu]QDKQQLVLGT